The following is an entry in ClinVar:

NM_003823.4(TNFRSF6B):c.515G>A (p.Arg172His)

Genes: RTEL1-TNFRSF6B (RTEL1-TNFRSF6B readthrough (NMD candidate); plus strand), TNFRSF6B (TNF receptor superfamily member 6b; plus strand). Cytogenetic location: 20q13.33.
Variant type: single nucleotide variant.
Coding change: c.515G>A on transcript NM_003823.4 (MANE Select); coding-DNA position 515, G replaced by A.
Protein change: p.Arg172His; replaces arginine 172 with histidine.
Molecular consequence: missense variant. On other transcripts: non-coding transcript variant (1).
Genome position (GRCh38, 1-based): chr20:63,697,418, G>A. VCF-style: chr20-63697418-G-A. GRCh37 (hg19) VCF-style: chr20-62328771-G-A.
Other names: short protein forms R172H.
Identifiers: ClinVar variation 3619948 (VCV003619948.2).

ClinVar aggregate classification (germline): Uncertain significance (1 of 4 stars; one submission).

Submission:

Labcorp Genetics (formerly Invitae), Labcorp
Classification: Uncertain significance. Last evaluated: 2025-12-19. Review status: criteria provided, single submitter. Criteria: Invitae Variant Classification Sherloc (09022015). Collection method: clinical testing. Allele origin: germline.
Comment: This sequence change replaces arginine, which is basic and polar, with histidine, which is basic and polar, at codon 172 of the TNFRSF6B protein (p.Arg172His). The frequency data for this variant in the population databases is considered unreliable, as metrics indicate poor data quality at this position in the gnomAD database. This variant has not been reported in the literature in individuals affected with TNFRSF6B-related conditions. ClinVar contains an entry for this variant (Variation ID: 3619948). An algorithm developed to predict the effect of missense changes on protein structure and function outputs the following: PolyPhen-2: "Possibly Damaging". The histidine amino acid residue is found in multiple mammalian species, which suggests that this missense change does not adversely affect protein function. In summary, the available evidence is currently insufficient to determine the role of this variant in disease. Therefore, it has been classified as a Variant of Uncertain Significance.